The following is an entry in ClinVar:

NM_003664.5(AP3B1):c.3226A>G (p.Lys1076Glu)

Gene: AP3B1 (adaptor related protein complex 3 subunit beta 1; minus strand). Cytogenetic location: 5q14.1.
Variant type: single nucleotide variant.
Coding change: c.3226A>G on transcript NM_003664.5 (MANE Select); coding-DNA position 3226, A replaced by G.
Protein change: p.Lys1076Glu; replaces lysine 1076 with glutamic acid.
Molecular consequence: missense variant.
Genome position (GRCh38, 1-based): chr5:78,002,961, T>C on the plus strand (A>G on the coding strand, the complement: AP3B1 is on the minus strand). VCF-style: chr5-78002961-T-C. GRCh37 (hg19) VCF-style: chr5-77298785-T-C.
Other names: c.3079A>G, p.Lys1027Glu (NM_001271769.2); short protein forms K1027E, K1076E.
Identifiers: ClinVar variation 1415971 (VCV001415971.6), dbSNP rs976542118, ClinGen allele CA121591472.

ClinVar aggregate classification (germline): Uncertain significance (1 of 4 stars; one submission).

Conditions:
Hermansky-Pudlak syndrome 2 (HPS2). Also called: Platelet defects and oculocutaneous albinism. Identifiers: Orphanet 183678, Orphanet 79430, MedGen C1842362, MONDO:0011997, OMIM 608233.

Allele frequency attached by ClinVar (database versions not stated): gnomAD exomes below 0.00001; gnomAD 0.00001; TOPMed 0.00001.
gnomAD v4.1: 2 of 1,614,068 alleles (0.00012%); highest among the groups gnomAD compares: African/African-American, 0.0013%; no homozygotes.

Submission:

Labcorp Genetics (formerly Invitae), Labcorp
Classification: Uncertain significance for Hermansky-Pudlak syndrome 2. Last evaluated: 2022-01-03. Review status: criteria provided, single submitter. Criteria: Invitae Variant Classification Sherloc (09022015). Collection method: clinical testing. Allele origin: germline.
Comment: In summary, the available evidence is currently insufficient to determine the role of this variant in disease. Therefore, it has been classified as a Variant of Uncertain Significance. Algorithms developed to predict the effect of missense changes on protein structure and function (SIFT, PolyPhen-2, Align-GVGD) all suggest that this variant is likely to be tolerated. This variant has not been reported in the literature in individuals affected with AP3B1-related conditions. This variant is not present in population databases (gnomAD no frequency). This sequence change replaces lysine, which is basic and polar, with glutamic acid, which is acidic and polar, at codon 1076 of the AP3B1 protein (p.Lys1076Glu).